The following is an entry in ClinVar:

NM_182961.4(SYNE1):c.19373T>C (p.Leu6458Ser)

Gene: SYNE1 (spectrin repeat containing nuclear envelope protein 1; minus strand). Cytogenetic location: 6q25.2.
Variant type: single nucleotide variant.
Coding change: c.19373T>C on transcript NM_182961.4 (MANE Select); coding-DNA position 19373, T replaced by C.
Protein change: p.Leu6458Ser; replaces leucine 6458 with serine.
Molecular consequence: missense variant.
Genome position (GRCh38, 1-based): chr6:152,254,977, A>G on the plus strand (T>C on the coding strand, the complement: SYNE1 is on the minus strand). VCF-style: chr6-152254977-A-G. GRCh37 (hg19) VCF-style: chr6-152576112-A-G.
Other names: c.19160T>C, p.Leu6387Ser (NM_033071.5); short protein forms L6387S, L6458S.
Identifiers: ClinVar variation 1348764 (VCV001348764.6), dbSNP rs2153620062, ClinGen allele CA366136346.

ClinVar aggregate classification (germline): Uncertain significance (1 of 4 stars; one submission).

Conditions:
Autosomal recessive ataxia, Beauce type. Also called: SYNE1-Related Autosomal Recessive Cerebellar Ataxia; SYNE1 Deficiency; Spinocerebellar ataxia, autosomal recessive 8; ATAXIA, RECESSIVE, OF BEAUCE. Identifiers: Orphanet 88644, MedGen C1853116, MONDO:0012549, OMIM 610743.
Emery-Dreifuss muscular dystrophy 4, autosomal dominant (EDMD4). Also called: EMERY-DREIFUSS MUSCULAR DYSTROPHY 4 WITH VARIABLE FEATURES. Identifiers: Orphanet 261, MedGen C2751807, MONDO:0013071, OMIM 612998.

Submission:

Labcorp Genetics (formerly Invitae), Labcorp
Classification: Uncertain significance for Emery-Dreifuss muscular dystrophy 4, autosomal dominant; Autosomal recessive ataxia, Beauce type. Last evaluated: 2022-10-13. Review status: criteria provided, single submitter. Criteria: Invitae Variant Classification Sherloc (09022015). Collection method: clinical testing. Allele origin: germline.
Comment: In summary, the available evidence is currently insufficient to determine the role of this variant in disease. Therefore, it has been classified as a Variant of Uncertain Significance. Algorithms developed to predict the effect of sequence changes on RNA splicing suggest that this variant may disrupt the consensus splice site. Algorithms developed to predict the effect of missense changes on protein structure and function (SIFT, PolyPhen-2, Align-GVGD) all suggest that this variant is likely to be disruptive. ClinVar contains an entry for this variant (Variation ID: 1348764). This variant has not been reported in the literature in individuals affected with SYNE1-related conditions. This variant is not present in population databases (gnomAD no frequency). This sequence change replaces leucine, which is neutral and non-polar, with serine, which is neutral and polar, at codon 6387 of the SYNE1 protein (p.Leu6387Ser).